The following is an entry in ClinVar:

NM_000330.4(RS1):c.668G>C (p.Cys223Ser)

Genes: CDKL5 (cyclin dependent kinase like 5; plus strand), RS1 (retinoschisin 1; minus strand). Cytogenetic location: Xp22.13.
Variant type: single nucleotide variant.
Coding change: c.668G>C on transcript NM_000330.4 (MANE Select); coding-DNA position 668, G replaced by C.
Protein change: p.Cys223Ser; replaces cysteine 223 with serine.
Molecular consequence: missense variant. On other transcripts: intron variant (2).
Genome position (GRCh38, 1-based): chrX:18,642,011, C>G on the plus strand (G>C on the coding strand, the complement: RS1 is on the minus strand). VCF-style: chrX-18642011-C-G. GRCh37 (hg19) VCF-style: chrX-18660131-C-G.
Other names: NM_003159.3:c.2714-3996C>G; c.2714-3996C>G (NM_003159.3, NM_001037343.2); short protein forms C223S.
Identifiers: ClinVar variation 4279585 (VCV004279585.1).
Genomic context (GRCh38, chrX:18,642,011, plus strand): 5'-ACGGCCCGCTCTGTGCCAGTCACCCCCTGGCAGGCGCCGAGCTGAGGCAGGCATCAGGCA[C>G]ACTTGCTGACGCACTCCAGCAGCTCCATCCGGATGGCAATGCGGACGTGCCAGCCCAGCG-3'
Protein context (NP_000321.1, residues 213-224): RMELLECVSK[Cys223Ser]A

ClinVar aggregate classification (germline): Likely pathogenic (3 of 4 stars; one submission).

Conditions:
Juvenile retinoschisis (RS1). Also called: X-linked retinoschisis; X-Linked Juvenile Retinoschisis. Identifiers: Orphanet 792, MedGen C3714753, MONDO:0010725, OMIM 312700.

Submission:

ClinGen X-linked Inherited Retinal Disease Variant Curation Expert Panel, ClinGen
Classification: Likely pathogenic for Juvenile retinoschisis. Last evaluated: 2025-09-19. Review status: reviewed by expert panel. Criteria: ClinGen X LinkedIRD ACMG Specifications RS1 V1.0.0. Collection method: curation. Allele origin: germline. Inheritance: X-linked inheritance.
Comment: NM_000330.4(RS1):c.668G>C (p.Cys223Ser) is a missense variant encoding the substitution of cystine with serine at amino acid 223. A missense variant encoding the same amino acid substitution, NM_000330.4(RS1):c.667T>A (p.Cys223Ser) has been classified as likely pathogenic for X-linked retinoschisis by the ClinGen X-linked IRD VCEP, while no benign missense variants have been identified in this codon. SpliceAI has been used to confirm that neither variant has a predicted impact on RS1 splicing (PS1_Moderate). Another missense variant in the same codon, NM_000330.4(RS1):c.667T>C (p.Cys223Arg), (PMIDs: 34645606, 10533068, 30652005, 33460243, 16361673) has been classified as pathogenic. However, the present variant has a lower Grantham’s distance(112) than the comparison variant (180), so PM5 cannot be met. This variant is absent from hemizygous individuals in gnomAD v4.1.0 (PM2_Supporting). The computational predictor REVEL gives a score of 0.953, which is above the ClinGen X-linked IRD VCEP threshold of >0.932 and predicts a damaging effect on RS1 function (PP3_Strong). The computational splicing predictor SpliceAI gives a delta score of 0.00 for all predictive splice changes, which is below the ClinGen X-linked IRD VCEP threshold of >0.2 and does not predict that the variant disrupts RS1 splicing. HEK293 cells exogenously expressing the variant exhibit loss of RS1 secretion into the medium relative to the wild-type control, as well as aberrant immunofluorescent localization of RS1 to the ER/Golgi relative to the wild-type control (PMID: 12746437, PS3_Supporting). This variant is a missense substitution affecting a critical amino acid residue involved in disulfide bridge formation as defined by the ClinGen X-linked IRD VCEP (PMID: 26812435). However, the PP3_Strong code has been met, which is ineligible to be used in combination with the PM1 code at any strength, so the PM1 code was not met. In summary, this variant is classified as likely pathogenic for X-linked retinoschisis based on the ClinGen X-linked Inherited Retinal Disease Expert Panel Specifications to the ACMG/AMP Variant Interpretation Guidelines for RS1 Version 1.0.0: PM2_Supporting, PP3_Strong, PS1_Moderate, and PS3_Supporting.

Literature cited by the submitters: PubMed 12746437.